The following is an entry in ClinVar:

NM_001018115.3(FANCD2):c.903T>A (p.Leu301=)

Genes: FANCD2 (FA complementation group D2; plus strand), LOC107303338 (3p25 FANCD2 Alu-mediated recombination region; plus strand). Cytogenetic location: 3p25.3.
Variant type: single nucleotide variant.
Coding change: c.903T>A on transcript NM_001018115.3 (MANE Select); coding-DNA position 903, T replaced by A.
Protein change: p.Leu301=; no amino-acid change (leucine 301 retained).
Molecular consequence: synonymous variant.
Genome position (GRCh38, 1-based): chr3:10,043,064, T>A. VCF-style: chr3-10043064-T-A. GRCh37 (hg19) VCF-style: chr3-10084748-T-A.
Other names: c.903T>A, p.Leu301= (NM_001319984.2, NM_001374253.1, NM_001374254.1 and 1 more transcripts); c.903T>A (NM_001018115.2).
Identifiers: ClinVar variation 1149378 (VCV001149378.33), dbSNP rs752360517, ClinGen allele CA2249410.
Genomic context (GRCh38, chr3:10,043,064, plus strand): 5'-CACTATGAATGAGCAGAAAACCATAGCTAATATTTACTTTCTGCAGGTAATTTCTGAGCT[T>A]CGGGAGAAGTTGGATCTGCAGCATTGTGTTTTGCCATCACGGTTACAGGCTTCCCAAGTA-3'
Protein context (NP_001018125.1, residues 291-311): AMDTLEVISE[Leu301=]REKLDLQHCV

ClinVar aggregate classification (germline): Likely benign. Review status: criteria provided, multiple submitters, no conflicts (2 of 4 stars). 4 submissions from 4 submitters: Likely benign (3). 1 of the submissions does not count toward it. Last evaluated 2025-12-23.

Conditions:
FANCD2-related disorder. Also called: FANCD2-related condition.
Fanconi anemia (FA). Also called: Fanconi's anemia. Identifiers: Orphanet 84, MedGen C0015625, MeSH D005199, MONDO:0019391.

Allele frequency attached by ClinVar (database versions not stated): gnomAD 0.00001 and 0.00002; ExAC 0.00004.
gnomAD v4.1: 51 of 1,614,100 alleles (0.0032%); highest among the groups gnomAD compares: Middle Eastern, 0.12%; 1 homozygote.

Submissions (4):

Labcorp Genetics (formerly Invitae), Labcorp
Classification: Likely benign for Fanconi anemia. Last evaluated: 2025-12-23. Review status: criteria provided, single submitter. Criteria: Invitae Variant Classification Sherloc (09022015). Collection method: clinical testing. Allele origin: germline.

CeGaT Center for Human Genetics Tuebingen
Classification: Likely benign. Last evaluated: 2024-02-01. Review status: criteria provided, single submitter. Criteria: CeGaT Center For Human Genetics Tuebingen Variant Classification Criteria Version 2. Collection method: clinical testing. Allele origin: germline. Affected: yes. Observed: 1 variant allele.
Comment: FANCD2: BP4, BP7

Sema4
Classification: Likely benign for Fanconi anemia. Last evaluated: 2020-10-08. Review status: criteria provided, single submitter. Criteria: Sema4 Curation Guidelines. Collection method: curation. Allele origin: germline.

PreventionGenetics, part of Exact Sciences
Classification: Likely benign for FANCD2-related condition. Last evaluated: 2019-08-06. Review status: no assertion criteria provided. Collection method: clinical testing. Allele origin: germline. Not counted in ClinVar's aggregate classification.
Comment: This variant is classified as likely benign based on ACMG/AMP sequence variant interpretation guidelines (Richards et al. 2015 PMID: 25741868, with internal and published modifications).